The following is an entry in ClinVar:

NM_005476.7(GNE):c.1741T>G (p.Cys581Gly)

Gene: GNE (glucosamine (UDP-N-acetyl)-2-epimerase/N-acetylmannosamine kinase; minus strand). Cytogenetic location: 9p13.3.
Variant type: single nucleotide variant.
Coding change: c.1741T>G on transcript NM_005476.7 (MANE Select); coding-DNA position 1741, T replaced by G.
Protein change: p.Cys581Gly; replaces cysteine 581 with glycine.
Molecular consequence: missense variant.
Genome position (GRCh38, 1-based): chr9:36,219,913, A>C on the plus strand (T>G on the coding strand, the complement: GNE is on the minus strand). VCF-style: chr9-36219913-A-C. GRCh37 (hg19) VCF-style: chr9-36219910-A-C.
Other names: c.1834T>G, p.Cys612Gly (NM_001128227.3); c.1519T>G, p.Cys507Gly (NM_001190383.3); c.1411T>G, p.Cys471Gly (NM_001190384.3); c.1564T>G, p.Cys522Gly (NM_001190388.2, NM_001374798.1); c.1588T>G, p.Cys530Gly (NM_001374797.1); short protein forms C471G, C507G, C522G, C530G, C581G, C612G.
Identifiers: ClinVar variation 3896879 (VCV003896879.1).

ClinVar aggregate classification (germline): Likely pathogenic (1 of 4 stars; one submission).

Conditions:
GNE myopathy (NM). Also called: NONAKA DISTAL MYOPATHY; MYOPATHY, DISTAL, WITH OR WITHOUT RIMMED VACUOLES; INCLUSION BODY MYOPATHY, HEREDITARY, AUTOSOMAL RECESSIVE; INCLUSION BODY MYOPATHY 2, AUTOSOMAL RECESSIVE; IBM 2; Inclusion body myopathy autosomal recessive. Identifiers: Orphanet 602, MedGen C1853926, MONDO:0011603, OMIM 605820.

Submission:

Kariminejad - Najmabadi Pathology & Genetics Center
Classification: Likely pathogenic for GNE myopathy. Last evaluated: 2023-03-17. Review status: criteria provided, single submitter. Criteria: ACMG Guidelines, 2015. Collection method: clinical testing. Allele origin: germline. Inheritance: Autosomal recessive inheritance. Affected: yes.
Comment: [PM1 PM2 PP3]+PP2??